The following is an entry in ClinVar:

NM_000059.4(BRCA2):c.5913T>C (p.Ser1971=)

Gene: BRCA2 (BRCA2 DNA repair associated; plus strand). Cytogenetic location: 13q13.1.
Variant type: single nucleotide variant.
Coding change: c.5913T>C on transcript NM_000059.4 (MANE Select); coding-DNA position 5913, T replaced by C.
Protein change: p.Ser1971=; no amino-acid change (serine 1971 retained).
Molecular consequence: synonymous variant.
Genome position (GRCh38, 1-based): chr13:32,340,268, T>C. VCF-style: chr13-32340268-T-C. GRCh37 (hg19) VCF-style: chr13-32914405-T-C.
Identifiers: ClinVar variation 232126 (VCV000232126.7), dbSNP rs751308094, ClinGen allele CA6940911.

ClinVar aggregate classification (germline): Likely benign. Review status: reviewed by expert panel (3 of 4 stars). 2 submissions from 2 submitters: Likely benign (1). 1 of the submissions does not count toward it. Last evaluated 2017-06-29.

Conditions:
Hereditary cancer-predisposing syndrome. Also called: Hereditary Cancer Syndrome; Neoplastic Syndromes, Hereditary; Tumor predisposition; Hereditary neoplastic syndrome. Identifiers: Orphanet 140162, MedGen C0027672, MeSH D009386, MONDO:0015356.
Breast-ovarian cancer, familial, susceptibility to, 2 (BROVCA2). Also called: BRCA2 Hereditary Breast and Ovarian Cancer. Identifiers: Orphanet 145, MedGen C2675520, MONDO:0012933, OMIM 612555. Disease mechanism: loss of function.

Allele frequency attached by ClinVar (database versions not stated): gnomAD exomes below 0.00001; ExAC 0.00001.
gnomAD v4.1: 1 of 1,614,036 alleles (0.000062%); no homozygotes.

Submissions (2):

Evidence-based Network for the Interpretation of Germline Mutant Alleles (ENIGMA)
Classification: Likely benign for Breast-ovarian cancer, familial, susceptibility to, 2. Last evaluated: 2017-06-29. Review status: reviewed by expert panel. Criteria: ENIGMA BRCA1/2 Classification Criteria (2017-06-29). Collection method: curation. Allele origin: germline.
Comment: Synonymous substitution variant, with low bioinformatic likelihood to result in a splicing aberration (Splicing prior probability 0.02).

Ambry Genetics
Classification: Likely benign for Hereditary cancer-predisposing syndrome. Last evaluated: 2015-06-04. Review status: criteria provided, single submitter. Criteria: Ambry Variant Classification Scheme 2023. Collection method: clinical testing. Allele origin: germline. Not counted in ClinVar's aggregate classification.